The following is an entry in ClinVar:

ClinVar aggregate classification (germline): Uncertain significance (1 of 4 stars; one submission).

Submission:

GeneDx
Classification: Uncertain significance. Last evaluated: 2023-03-03. Review status: criteria provided, single submitter. Criteria: GeneDx Variant Classification Process June 2021. Collection method: clinical testing. Allele origin: germline. Affected: yes.
Comment: Not observed at significant frequency in large population cohorts (gnomAD); In silico analysis supports that this missense variant has a deleterious effect on protein structure/function; Has not been previously published as pathogenic or benign to our knowledge

NM_001353345.2(SETD1B):c.4786C>A (p.Pro1596Thr)

Gene: SETD1B (SET domain containing 1B, histone lysine methyltransferase; plus strand). Cytogenetic location: 12q24.31.
Variant type: single nucleotide variant.
Coding change: c.4786C>A on transcript NM_001353345.2 (MANE Select); coding-DNA position 4786, C replaced by A.
Protein change: p.Pro1596Thr; replaces proline 1596 with threonine.
Molecular consequence: missense variant.
Genome position (GRCh38, 1-based): chr12:121,823,365, C>A. VCF-style: chr12-121823365-C-A. GRCh37 (hg19) VCF-style: chr12-122261271-C-A.
Other names: short protein forms P1596T.
Identifiers: ClinVar variation 2578155 (VCV002578155.1), dbSNP rs1268610473, ClinGen allele CA386999697.
Genomic context (GRCh38, chr12:121,823,365, plus strand): 5'-AACGCGGGGATCCCAGCCCCTCCACCACCCCTTCCCCCCCAGCCACCCCCACCCCCACCT[C>A]CCCCACCTGTAGAGCCCACCAAGCTGCCCTTTAAGGAGCTAGACAACCAGTGGCCCTCCG-3'
Protein context (NP_001340274.1, residues 1586-1606): LPPQPPPPPP[Pro1596Thr]PPVEPTKLPF